The following is an entry in ClinVar:

ClinVar aggregate classification (germline): Conflicting classifications of pathogenicity. Review status: criteria provided, conflicting classifications (1 of 4 stars). 2 submissions from 2 submitters: Uncertain significance (1); Likely benign (1). Last evaluated 2023-03-23.

Conditions:
Hereditary breast ovarian cancer syndrome. Also called: Hereditary breast and/or ovarian cancer syndrome; Breast and ovarian cancer; Hereditary breast and ovarian cancer; BRCA1- and BRCA2-Associated Hereditary Breast and Ovarian Cancer; Hereditary breast and ovarian cancer syndrome; Hereditary breast and ovarian cancer syndrome (HBOC). Identifiers: Orphanet 145, MedGen C0677776, MeSH D061325, MONDO:0003582. Disease mechanism: loss of function.
Hereditary cancer-predisposing syndrome. Also called: Tumor predisposition; Neoplastic Syndromes, Hereditary; Hereditary neoplastic syndrome; Hereditary Cancer Syndrome. Identifiers: Orphanet 140162, MedGen C0027672, MeSH D009386, MONDO:0015356.

Submissions (2):

University of Washington Department of Laboratory Medicine, University of Washington
Classification: Likely benign for Hereditary cancer-predisposing syndrome. Last evaluated: 2023-03-23. Review status: criteria provided, single submitter. Criteria: Dines et al. (Genet Med. 2020). Collection method: curation. Allele origin: germline.
Comment: Missense variant in a coldspot region where missense variants are very unlikely to be pathogenic (PMID:31911673).

BRCA2 exon 11 coldspot. Reclassification based on statistical prior probability.

Labcorp Genetics (formerly Invitae), Labcorp
Classification: Uncertain significance for Hereditary breast ovarian cancer syndrome. Last evaluated: 2021-08-22. Review status: criteria provided, single submitter. Criteria: Invitae Variant Classification Sherloc (09022015). Collection method: clinical testing. Allele origin: germline.
Comment: Advanced modeling of protein sequence and biophysical properties (such as structural, functional, and spatial information, amino acid conservation, physicochemical variation, residue mobility, and thermodynamic stability) performed at Invitae indicates that this missense variant is not expected to disrupt BRCA2 protein function. In summary, the available evidence is currently insufficient to determine the role of this variant in disease. Therefore, it has been classified as a Variant of Uncertain Significance. This variant has not been reported in the literature in individuals affected with BRCA2-related conditions. This variant is not present in population databases (ExAC no frequency). This sequence change replaces glutamine with histidine at codon 2009 of the BRCA2 protein (p.Gln2009His). The glutamine residue is moderately conserved and there is a small physicochemical difference between glutamine and histidine.

NM_000059.4(BRCA2):c.6027A>C (p.Gln2009His)

Gene: BRCA2 (BRCA2 DNA repair associated; plus strand). Cytogenetic location: 13q13.1.
Variant type: single nucleotide variant.
Coding change: c.6027A>C on transcript NM_000059.4 (MANE Select); coding-DNA position 6027, A replaced by C.
Protein change: p.Gln2009His; replaces glutamine 2009 with histidine.
Molecular consequence: missense variant.
Genome position (GRCh38, 1-based): chr13:32,340,382, A>C. VCF-style: chr13-32340382-A-C. GRCh37 (hg19) VCF-style: chr13-32914519-A-C.
Other names: short protein forms Q2009H.
Identifiers: ClinVar variation 1514464 (VCV001514464.7), dbSNP rs1131692109, ClinGen allele CA387787773.
Genomic context (GRCh38, chr13:32,340,382, plus strand): 5'-AGATGCTTCATTACAAAACGCAAGACAAGTGTTTTCTGAAATAGAAGATAGTACCAAGCA[A>C]GTCTTTTCCAAAGTATTGTTTAAAAGTAACGAACATTCAGACCAGCTCACAAGAGAAGAA-3'
Protein context (NP_000050.3, residues 1999-2019): VFSEIEDSTK[Gln2009His]VFSKVLFKSN